The following is an entry in ClinVar:

ClinVar aggregate classification (germline): Conflicting classifications of pathogenicity. Review status: criteria provided, conflicting classifications (1 of 4 stars). 5 submissions from 5 submitters: Uncertain significance (4); Likely benign (1). Last evaluated 2026-09-10.

Conditions:
Bethlem myopathy 1A. Also called: Bethlem myopathy 1; Bethlem Muscular Dystrophy; MYOPATHY, BENIGN CONGENITAL, WITH CONTRACTURES. Identifiers: Orphanet 610, MedGen CN029274, MONDO:0024530, OMIM 158810.

Allele frequency attached by ClinVar (database versions not stated): gnomAD exomes 0.00006 and 0.00008; ExAC 0.00007; gnomAD 0.00010 and 0.00011; TOPMed 0.00010.
gnomAD v4.1: 100 of 1,613,850 alleles (0.0062%); highest among the groups gnomAD compares: African/African-American, 0.023%; no homozygotes.

Submissions (5):

GeneDx
Classification: Uncertain significance. Last evaluated: 2026-09-10. Review status: criteria provided, single submitter. Criteria: GeneDx Variant Classification Process June 2021. Collection method: clinical testing. Allele origin: germline.
Comment: In silico analysis supports that this missense variant has a deleterious effect on protein structure/function; In silico analysis is inconclusive as to whether the variant alters gene splicing. In the absence of RNA/functional studies, the actual effect of this sequence change is unknown.; This variant is associated with the following publications: (PMID: 28097933, 37091313)

Labcorp Genetics (formerly Invitae), Labcorp
Classification: Likely benign for Bethlem myopathy 1A. Last evaluated: 2025-06-12. Review status: criteria provided, single submitter. Criteria: Invitae Variant Classification Sherloc (09022015). Collection method: clinical testing. Allele origin: germline.

Revvity Omics, Revvity
Classification: Uncertain significance. Last evaluated: 2020-09-02. Review status: criteria provided, single submitter. Criteria: ACMG Guidelines, 2015. Collection method: clinical testing. Allele origin: germline.

CeGaT Center for Human Genetics Tuebingen
Classification: Uncertain significance. Last evaluated: 2019-03-01. Review status: criteria provided, single submitter. Criteria: CeGaT Center For Human Genetics Tuebingen Variant Classification Criteria Version 2. Collection method: clinical testing. Allele origin: germline. Affected: yes. Observed: 1 variant allele.

Eurofins Ntd Llc (ga)
Classification: Uncertain significance. Last evaluated: 2015-12-31. Review status: criteria provided, single submitter. Criteria: EGL Classification Definitions 2015. Collection method: clinical testing. Allele origin: germline. Observed: 1 variant allele, 1 heterozygote.

NM_004369.4(COL6A3):c.7174G>A (p.Gly2392Arg)

Gene: COL6A3 (collagen type VI alpha 3 chain; minus strand). Cytogenetic location: 2q37.3.
Variant type: single nucleotide variant.
Coding change: c.7174G>A on transcript NM_004369.4 (MANE Select); coding-DNA position 7174, G replaced by A.
Protein change: p.Gly2392Arg; replaces glycine 2392 with arginine.
Molecular consequence: missense variant.
Genome position (GRCh38, 1-based): chr2:237,344,941, C>T on the plus strand (G>A on the coding strand, the complement: COL6A3 is on the minus strand). VCF-style: chr2-237344941-C-T. GRCh37 (hg19) VCF-style: chr2-238253584-C-T.
Other names: c.5353G>A, p.Gly1785Arg (NM_057166.5); c.6556G>A, p.Gly2186Arg (NM_057167.4); short protein forms G2392R, G1785R, G2186R.
Identifiers: ClinVar variation 285480 (VCV000285480.58), dbSNP rs773673162, ClinGen allele CA2187878.